The following is an entry in ClinVar:

ClinVar aggregate classification (germline): Uncertain significance (1 of 4 stars; one submission).

Conditions:
Neuromuscular disease caused by qualitative or quantitative defects of dysferlin. Also called: Qualitative or quantitative defects of dysferlin; Dysferlinopathy. Identifiers: Orphanet 207073, MedGen C2931687, MONDO:0016145.

Allele frequency attached by ClinVar (database versions not stated): gnomAD exomes below 0.00001; ExAC 0.00001.

Submission:

Labcorp Genetics (formerly Invitae), Labcorp
Classification: Uncertain significance for Neuromuscular disease caused by qualitative or quantitative defects of dysferlin. Last evaluated: 2020-01-29. Review status: criteria provided, single submitter. Criteria: Invitae Variant Classification Sherloc (09022015). Collection method: clinical testing. Allele origin: germline.
Comment: In summary, the available evidence is currently insufficient to determine the role of this variant in disease. Therefore, it has been classified as a Variant of Uncertain Significance. Nucleotide substitutions within the consensus splice site are a relatively common cause of aberrant splicing (PMID: 17576681, 9536098). Algorithms developed to predict the effect of sequence changes on RNA splicing suggest that this variant may disrupt the consensus splice site, but this prediction has not been confirmed by published transcriptional studies. This variant has not been reported in the literature in individuals with DYSF-related conditions. This variant is present in population databases (rs757011960, ExAC 0.002%). This sequence change falls in intron 7 of the DYSF gene. It does not directly change the encoded amino acid sequence of the DYSF protein, but it affects a nucleotide within the consensus splice site of the intron.

Literature cited by the submitters: PubMed 17576681; PubMed 9536098.

NM_001130987.2(DYSF):c.888+5G>A

Gene: DYSF (dysferlin; plus strand). Cytogenetic location: 2p13.2.
Variant type: single nucleotide variant.
Coding change: c.888+5G>A on transcript NM_001130987.2 (MANE Select); 5 bases into the intron after coding-DNA position 888, G replaced by A.
Molecular consequence: intron variant.
Genome position (GRCh38, 1-based): chr2:71,515,756, G>A. VCF-style: chr2-71515756-G-A. GRCh37 (hg19) VCF-style: chr2-71742886-G-A.
Other names: c.885+5G>A (NM_001130979.2, NM_001130981.2, NM_001130980.2); c.792+5G>A (NM_001130978.2, NM_003494.4, NM_001130977.2 and 1 more transcripts); c.888+5G>A (NM_001130982.2, NM_001130985.2); c.795+5G>A (NM_001130983.2, NM_001130455.2, NM_001130984.2 and 1 more transcripts).
Identifiers: ClinVar variation 1004441 (VCV001004441.7), dbSNP rs757011960, ClinGen allele CA1705489.